The following is an entry in ClinVar:

ClinVar aggregate classification (germline): Uncertain significance. Review status: criteria provided, multiple submitters, no conflicts (2 of 4 stars). 5 submissions from 4 submitters: Uncertain significance (5). Last evaluated 2022-07-12.

Conditions:
Pierson syndrome. Also called: MICROCORIA-CONGENITAL NEPHROTIC SYNDROME. Identifiers: Orphanet 2670, MedGen C1836876, MONDO:0012184, OMIM 609049.
LAMB2-related infantile-onset nephrotic syndrome. Also called: NEPHROTIC SYNDROME, TYPE 5, WITHOUT OCULAR ABNORMALITIES; NEPHROTIC SYNDROME, TYPE 5, WITH OCULAR ABNORMALITIES; Nephrotic Syndrome, type 5. Identifiers: Orphanet 306507, MedGen C3280113, MONDO:0013621, OMIM 614199.
Focal segmental glomerulosclerosis (FSGS). Also called: Glomerulosclerosis, focal; Focal sclerosis with hyalinosis. Identifiers: MedGen C0017668, MONDO:0100313, HP:0000097. Disease mechanism: loss of function.

Allele frequency attached by ClinVar (database versions not stated): ExAC 0.00006; gnomAD 0.00019; ESP Exome Variant Server 0.00023; TOPMed 0.00024; 1000 Genomes Project 30x 0.00031; 1000 Genomes Project 0.00040.
gnomAD v4.1: 50 of 1,613,986 alleles (0.0031%); highest among the groups gnomAD compares: African/African-American, 0.065%; no homozygotes.

Submissions (5):

Labcorp Genetics (formerly Invitae), Labcorp
Classification: Uncertain significance for LAMB2-related infantile-onset nephrotic syndrome; Pierson syndrome. Last evaluated: 2022-07-12. Review status: criteria provided, single submitter. Criteria: Invitae Variant Classification Sherloc (09022015). Collection method: clinical testing. Allele origin: germline.
Comment: This sequence change replaces histidine, which is basic and polar, with glutamine, which is neutral and polar, at codon 1383 of the LAMB2 protein (p.His1383Gln). This variant is present in population databases (rs150064487, gnomAD 0.06%). This variant has not been reported in the literature in individuals affected with LAMB2-related conditions. ClinVar contains an entry for this variant (Variation ID: 902789). Algorithms developed to predict the effect of missense changes on protein structure and function output the following: SIFT: "Deleterious"; PolyPhen-2: "Benign"; Align-GVGD: "Class C0". The glutamine amino acid residue is found in multiple mammalian species, which suggests that this missense change does not adversely affect protein function. In summary, the available evidence is currently insufficient to determine the role of this variant in disease. Therefore, it has been classified as a Variant of Uncertain Significance.

Fulgent Genetics
Classification: Uncertain significance for Pierson syndrome; LAMB2-related infantile-onset nephrotic syndrome. Last evaluated: 2021-12-30. Review status: criteria provided, single submitter. Criteria: ACMG Guidelines, 2015. Collection method: clinical testing. Allele origin: unknown.

UNC Molecular Genetics  Laboratory, University of North Carolina at Chapel Hill
Classification: Uncertain significance for Focal segmental glomerulosclerosis. Last evaluated: 2020-04-01. Review status: criteria provided, single submitter. Criteria: ACMG Guidelines, 2015. Collection method: clinical testing. Allele origin: germline. Affected: yes. Observed: 1 heterozygote.

Illumina Laboratory Services, Illumina
Classification: Uncertain significance for LAMB2-related infantile-onset nephrotic syndrome. Last evaluated: 2018-01-13. Review status: criteria provided, single submitter. Criteria: ICSL Variant Classification Criteria 13 December 2019. Collection method: clinical testing. Allele origin: germline.

Illumina Laboratory Services, Illumina
Classification: Uncertain significance for Pierson syndrome. Last evaluated: 2018-01-13. Review status: criteria provided, single submitter. Criteria: ICSL Variant Classification Criteria 13 December 2019. Collection method: clinical testing. Allele origin: germline.

NM_002292.4(LAMB2):c.4149C>A (p.His1383Gln)

Gene: LAMB2 (laminin subunit beta 2; minus strand). Cytogenetic location: 3p21.31.
Variant type: single nucleotide variant.
Coding change: c.4149C>A on transcript NM_002292.4 (MANE Select); coding-DNA position 4149, C replaced by A.
Protein change: p.His1383Gln; replaces histidine 1383 with glutamine.
Molecular consequence: missense variant.
Genome position (GRCh38, 1-based): chr3:49,123,207, G>T on the plus strand (C>A on the coding strand, the complement: LAMB2 is on the minus strand). VCF-style: chr3-49123207-G-T. GRCh37 (hg19) VCF-style: chr3-49160640-G-T.
Other names: short protein forms H1383Q.
Identifiers: ClinVar variation 902789 (VCV000902789.10), dbSNP rs150064487, ClinGen allele CA2393861.